The following is an entry in ClinVar:

ClinVar aggregate classification (germline): Uncertain significance. Review status: criteria provided, multiple submitters, no conflicts (2 of 4 stars). 4 submissions from 3 submitters: Uncertain significance (4). Last evaluated 2023-11-04.

Conditions:
Usher syndrome type 2A. Also called: USHER SYNDROME, TYPE IIA; RETINAL DISEASE IN USHER SYNDROME TYPE IIA, MODIFIER OF. Identifiers: Orphanet 231178, Orphanet 886, MedGen C1848634, MONDO:0010169, OMIM 276901.
Retinitis pigmentosa 39 (RP39). Identifiers: Orphanet 791, MedGen C3151138, MONDO:0013436, OMIM 613809.

Allele frequency attached by ClinVar (database versions not stated): ExAC 0.00001; gnomAD exomes below 0.00001; TOPMed below 0.00001.
gnomAD v4.1: 1 of 1,614,024 alleles (0.000062%); highest among the groups gnomAD compares: African/African-American, 0.0013%; no homozygotes.

Submissions (4):

Genome-Nilou Lab
Classification: Uncertain significance for Retinitis pigmentosa 39. Last evaluated: 2023-11-04. Review status: criteria provided, single submitter. Criteria: ACMG Guidelines, 2015. Collection method: clinical testing. Allele origin: germline. Affected: no.

Genome-Nilou Lab
Classification: Uncertain significance for Usher syndrome type 2A. Last evaluated: 2023-11-04. Review status: criteria provided, single submitter. Criteria: ACMG Guidelines, 2015. Collection method: clinical testing. Allele origin: germline. Affected: no.

Labcorp Genetics (formerly Invitae), Labcorp
Classification: Uncertain significance. Last evaluated: 2021-09-02. Review status: criteria provided, single submitter. Criteria: Invitae Variant Classification Sherloc (09022015). Collection method: clinical testing. Allele origin: germline.
Comment: This sequence change replaces aspartic acid with asparagine at codon 5176 of the USH2A protein (p.Asp5176Asn). The aspartic acid residue is highly conserved and there is a small physicochemical difference between aspartic acid and asparagine. This variant is present in population databases (rs774383785, ExAC 0.01%). This variant has not been reported in the literature in individuals affected with USH2A-related conditions. ClinVar contains an entry for this variant (Variation ID: 504962). Algorithms developed to predict the effect of missense changes on protein structure and function are either unavailable or do not agree on the potential impact of this missense change (SIFT: "Deleterious"; PolyPhen-2: "Possibly Damaging"; Align-GVGD: "Class C0"). In summary, the available evidence is currently insufficient to determine the role of this variant in disease. Therefore, it has been classified as a Variant of Uncertain Significance.

Laboratory for Molecular Medicine, Mass General Brigham Personalized Medicine
Classification: Uncertain significance. Last evaluated: 2016-06-02. Review status: criteria provided, single submitter. Criteria: LMM Criteria. Collection method: clinical testing. Allele origin: germline. Observed: 1 variant allele.
Comment: The p.Asp5176Asn variant in USH2A has not been previously reported in individual s with hearing loss or Usher syndrome, but has been identified in 1/10406 Africa n chromosomes by the Exome Aggregation Consortium (ExAC; dbSNP rs774383785). Although this variant has been seen in the general population, its frequency is not high enough to rule out a pathogenic role. Comp utational prediction tools and conservation analyses suggest that the p.Asp5176A sn variant may impact the protein, though this information is not predictive eno ugh to determine pathogenicity. In summary, the clinical significance of the p.A sp5176Asn variant is uncertain.

NM_206933.4(USH2A):c.15526G>A (p.Asp5176Asn)

Gene: USH2A (usherin; minus strand). Cytogenetic location: 1q41.
Variant type: single nucleotide variant.
Coding change: c.15526G>A on transcript NM_206933.4 (MANE Select); coding-DNA position 15526, G replaced by A.
Protein change: p.Asp5176Asn; replaces aspartic acid 5176 with asparagine.
Molecular consequence: missense variant.
Genome position (GRCh38, 1-based): chr1:215,625,864, C>T on the plus strand (G>A on the coding strand, the complement: USH2A is on the minus strand). VCF-style: chr1-215625864-C-T. GRCh37 (hg19) VCF-style: chr1-215799206-C-T.
Other names: short protein forms D5176N.
Identifiers: ClinVar variation 504962 (VCV000504962.11), dbSNP rs774383785, ClinGen allele CA1392632.